The following is an entry in ClinVar:

NM_001367624.2(ZNF469):c.4393G>T (p.Asp1465Tyr)

Gene: ZNF469 (zinc finger protein 469; plus strand). Cytogenetic location: 16q24.2.
Variant type: single nucleotide variant.
Coding change: c.4393G>T on transcript NM_001367624.2 (MANE Select); coding-DNA position 4393, G replaced by T.
Protein change: p.Asp1465Tyr; replaces aspartic acid 1465 with tyrosine.
Molecular consequence: missense variant.
Genome position (GRCh38, 1-based): chr16:88,431,863, G>T. VCF-style: chr16-88431863-G-T. GRCh37 (hg19) VCF-style: chr16-88498271-G-T.
Other names: NM_001127464.1:c.4309G>T; short protein forms D1465Y.
Identifiers: ClinVar variation 1739604 (VCV001739604.2), dbSNP rs763106149, ClinGen allele CA397091673.

ClinVar aggregate classification (germline): Uncertain significance (1 of 4 stars; one submission).

Conditions:
Cardiovascular phenotype. Identifiers: MedGen CN230736.

Submission:

Ambry Genetics
Classification: Uncertain significance for Cardiovascular phenotype. Last evaluated: 2022-02-10. Review status: criteria provided, single submitter. Criteria: Ambry Variant Classification Scheme 2023. Collection method: clinical testing. Allele origin: germline.
Comment: The p.D1437Y variant (also known as c.4309G>T), located in coding exon 2 of the ZNF469 gene, results from a G to T substitution at nucleotide position 4309. The aspartic acid at codon 1437 is replaced by tyrosine, an amino acid with highly dissimilar properties. This amino acid position is conserved. In addition, this alteration is predicted to be tolerated by in silico analysis. Since supporting evidence is limited at this time, the clinical significance of this alteration remains unclear.